The following is an entry in ClinVar:

ClinVar aggregate classification (germline): Uncertain significance. Review status: criteria provided, multiple submitters, no conflicts (2 of 4 stars). 2 submissions from 2 submitters: Uncertain significance (2). Last evaluated 2024-10-29.

Conditions:
Hereditary cancer-predisposing syndrome. Also called: Hereditary neoplastic syndrome; Neoplastic Syndromes, Hereditary; Tumor predisposition; Hereditary Cancer Syndrome. Identifiers: Orphanet 140162, MedGen C0027672, MeSH D009386, MONDO:0015356.

Submissions (2):

Labcorp Genetics (formerly Invitae), Labcorp
Classification: Uncertain significance for Hereditary cancer-predisposing syndrome. Last evaluated: 2024-10-29. Review status: criteria provided, single submitter. Criteria: Invitae Variant Classification Sherloc (09022015). Collection method: clinical testing. Allele origin: germline.
Comment: This sequence change replaces methionine, which is neutral and non-polar, with threonine, which is neutral and polar, at codon 140 of the RAD50 protein (p.Met140Thr). This variant is not present in population databases (gnomAD no frequency). This variant has not been reported in the literature in individuals affected with RAD50-related conditions. ClinVar contains an entry for this variant (Variation ID: 940169). Invitae Evidence Modeling of protein sequence and biophysical properties (such as structural, functional, and spatial information, amino acid conservation, physicochemical variation, residue mobility, and thermodynamic stability) indicates that this missense variant is expected to disrupt RAD50 protein function with a positive predictive value of 80%. In summary, the available evidence is currently insufficient to determine the role of this variant in disease. Therefore, it has been classified as a Variant of Uncertain Significance.

Ambry Genetics
Classification: Uncertain significance for Hereditary cancer-predisposing syndrome. Last evaluated: 2020-01-10. Review status: criteria provided, single submitter. Criteria: Ambry Variant Classification Scheme 2023. Collection method: clinical testing. Allele origin: germline.
Comment: The p.M140T variant (also known as c.419T>C), located in coding exon 4 of the RAD50 gene, results from a T to C substitution at nucleotide position 419. The methionine at codon 140 is replaced by threonine, an amino acid with similar properties. This amino acid position is highly conserved in available vertebrate species. In addition, the in silico prediction for this alteration is inconclusive. Since supporting evidence is limited at this time, the clinical significance of this alteration remains unclear.

NM_005732.4(RAD50):c.419T>C (p.Met140Thr)

Gene: RAD50 (RAD50 double strand break repair protein; plus strand). Cytogenetic location: 5q31.1.
Variant type: single nucleotide variant.
Coding change: c.419T>C on transcript NM_005732.4 (MANE Select); coding-DNA position 419, T replaced by C.
Protein change: p.Met140Thr; replaces methionine 140 with threonine.
Molecular consequence: missense variant.
Genome position (GRCh38, 1-based): chr5:132,579,370, T>C. VCF-style: chr5-132579370-T-C. GRCh37 (hg19) VCF-style: chr5-131915062-T-C.
Other names: short protein forms M140T.
Identifiers: ClinVar variation 940169 (VCV000940169.12), dbSNP rs876660468, ClinGen allele CA360933768.